The following is an entry in ClinVar:

NM_170707.4(LMNA):c.566G>T (p.Arg189Leu)

Gene: LMNA (lamin A/C; plus strand). Cytogenetic location: 1q22.
Variant type: single nucleotide variant.
Coding change: c.566G>T on transcript NM_170707.4 (MANE Select); coding-DNA position 566, G replaced by T.
Protein change: p.Arg189Leu; replaces arginine 189 with leucine.
Molecular consequence: missense variant. On other transcripts: 5 prime UTR variant (4).
Genome position (GRCh38, 1-based): chr1:156,134,455, G>T. VCF-style: chr1-156134455-G-T. GRCh37 (hg19) VCF-style: chr1-156104246-G-T.
Other names: c.230G>T, p.Arg77Leu (NM_001257374.3, NM_001406989.1, NM_001406998.1); c.323G>T, p.Arg108Leu (NM_001282624.2, NM_001406986.1, NM_001406987.1); c.566G>T, p.Arg189Leu (NM_001282625.2, NM_001282626.2, NM_001406983.1 and 6 more transcripts); c.269G>T, p.Arg90Leu (NM_001406988.1); c.8G>T, p.Arg3Leu (NM_001406990.1, NM_001406993.1, NM_001406995.1 and 4 more transcripts); c.-99G>T (NM_001406994.1, NM_001406999.1, NM_001407000.1 and 1 more transcripts); short protein forms R108L, R77L, R90L, R3L, R189L.
Identifiers: ClinVar variation 2848678 (VCV002848678.3), dbSNP rs766856162, ClinGen allele CA342816885.

ClinVar aggregate classification (germline): Uncertain significance (1 of 4 stars; one submission).

Conditions:
Charcot-Marie-Tooth disease type 2. Also called: Charcot-Marie-Tooth type 2. Identifiers: Orphanet 64746, MedGen C0270914, MONDO:0018993.

gnomAD v4.1: 3 of 1,614,156 alleles (0.00019%); highest among the groups gnomAD compares: Non-Finnish European, 0.00025%; no homozygotes.

Submission:

Labcorp Genetics (formerly Invitae), Labcorp
Classification: Uncertain significance for Charcot-Marie-Tooth disease type 2. Last evaluated: 2023-03-22. Review status: criteria provided, single submitter. Criteria: Invitae Variant Classification Sherloc (09022015). Collection method: clinical testing. Allele origin: germline.
Comment: In summary, the available evidence is currently insufficient to determine the role of this variant in disease. Therefore, it has been classified as a Variant of Uncertain Significance. This variant disrupts the p.Arg189 amino acid residue in LMNA. Other variant(s) that disrupt this residue have been observed in individuals with LMNA-related conditions (PMID: 20848652, 22326558), which suggests that this may be a clinically significant amino acid residue. Advanced modeling of protein sequence and biophysical properties (such as structural, functional, and spatial information, amino acid conservation, physicochemical variation, residue mobility, and thermodynamic stability) performed at Invitae indicates that this missense variant is expected to disrupt LMNA protein function. This variant has not been reported in the literature in individuals affected with LMNA-related conditions. This variant is not present in population databases (gnomAD no frequency). This sequence change replaces arginine, which is basic and polar, with leucine, which is neutral and non-polar, at codon 189 of the LMNA protein (p.Arg189Leu).

Literature cited by the submitters: PubMed 20848652; PubMed 22326558.